The following is an entry in ClinVar:

ClinVar aggregate classification (germline): Benign/Likely benign. Review status: criteria provided, multiple submitters, no conflicts (2 of 4 stars). 3 submissions from 3 submitters: Benign (1); Likely benign (2). Last evaluated 2026-09-01.

Allele frequency attached by ClinVar (database versions not stated): 1000 Genomes Project 0.00020; 1000 Genomes Project 30x 0.00031; gnomAD 0.00202 and 0.00217; TOPMed 0.00217; gnomAD exomes 0.00238 and 0.00356; ExAC 0.00247; ESP Exome Variant Server 0.00331.
gnomAD v4.1: 5,478 of 1,613,934 alleles (0.34%); highest among the groups gnomAD compares: Non-Finnish European, 0.42%; 18 homozygotes.

Submissions (3):

CeGaT Center for Human Genetics Tuebingen
Classification: Likely benign. Last evaluated: 2026-09-01. Review status: criteria provided, single submitter. Criteria: CeGaT Center For Human Genetics Tuebingen Variant Classification Criteria Version 2. Collection method: clinical testing. Allele origin: germline. Affected: yes. Observed: 2 variant alleles.
Comment: PRKACA: BP4, BP7, BS2

Blueprint Genetics
Classification: Likely benign. Last evaluated: 2024-11-15. Review status: criteria provided, single submitter. Criteria: ACMG Guidelines, 2015. Collection method: clinical testing. Allele origin: germline.

Labcorp Genetics (formerly Invitae), Labcorp
Classification: Benign. Last evaluated: 2019-12-31. Review status: criteria provided, single submitter. Criteria: Invitae Variant Classification Sherloc (09022015). Collection method: clinical testing. Allele origin: germline.

NM_002730.4(PRKACA):c.102C>T (p.Pro34=)

Gene: PRKACA (protein kinase cAMP-activated catalytic subunit alpha; minus strand). Cytogenetic location: 19p13.12.
Variant type: single nucleotide variant.
Coding change: c.102C>T on transcript NM_002730.4 (MANE Select); coding-DNA position 102, C replaced by T.
Protein change: p.Pro34=; no amino-acid change (proline 34 retained).
Molecular consequence: synonymous variant.
Genome position (GRCh38, 1-based): chr19:14,107,354, G>A on the plus strand (C>T on the coding strand, the complement: PRKACA is on the minus strand). VCF-style: chr19-14107354-G-A. GRCh37 (hg19) VCF-style: chr19-14218166-G-A.
Other names: c.330C>T, p.Pro110= (NM_001304349.2); c.78C>T, p.Pro26= (NM_207518.3).
Identifiers: ClinVar variation 708471 (VCV000708471.13), dbSNP rs56105247, ClinGen allele CA9249484.